The following is an entry in ClinVar:

NM_000038.6(APC):c.1408+1360G>A

Gene: APC (APC regulator of Wnt signaling pathway; plus strand). Cytogenetic location: 5q22.2.
Variant type: single nucleotide variant.
Coding change: c.1408+1360G>A on transcript NM_000038.6 (MANE Select); 1360 bases into the intron after coding-DNA position 1408, G replaced by A.
Molecular consequence: intron variant. On other transcripts: missense variant (12).
Genome position (GRCh38, 1-based): chr5:112,823,351, G>A. VCF-style: chr5-112823351-G-A. GRCh37 (hg19) VCF-style: chr5-112159048-G-A.
Other names: c.1453G>A, p.Gly485Arg (NM_001354896.2, NM_001407447.1, NM_001407448.1 and 1 more transcripts); c.1276G>A, p.Gly426Arg (NM_001354900.2); c.1483G>A, p.Gly495Arg (NM_001407446.1); c.1378G>A, p.Gly460Arg (NM_001407451.1); c.1369G>A, p.Gly457Arg (NM_001407452.1); c.1150G>A, p.Gly384Arg (NM_001407454.1, NM_001407455.1, NM_001407456.1 and 1 more transcripts); c.559+1360G>A (NM_001407470.1, NM_001354906.2); c.256+1360G>A (NM_001407472.1, NM_001407471.1); and 11 more; short protein forms G457R, G495R, G426R, G460R, G384R, G485R.
Identifiers: ClinVar variation 2452731 (VCV002452731.3), dbSNP rs2533133142, ClinGen allele CA360619858.

ClinVar aggregate classification (germline): Uncertain significance (1 of 4 stars; one submission).

Conditions:
Hereditary cancer-predisposing syndrome. Also called: Neoplastic Syndromes, Hereditary; Tumor predisposition; Hereditary neoplastic syndrome; Hereditary Cancer Syndrome. Identifiers: Orphanet 140162, MedGen C0027672, MeSH D009386, MONDO:0015356.

Submission:

Ambry Genetics
Classification: Uncertain significance for Hereditary cancer-predisposing syndrome. Last evaluated: 2025-11-17. Review status: criteria provided, single submitter. Criteria: Ambry Variant Classification Scheme 2023. Collection method: clinical testing. Allele origin: germline.
Comment: The c.1408+1360G>A intronic variant results from a G to A substitution 1360 nucleotides after coding exon 10 in the APC gene. This nucleotide position is highly conserved in available vertebrate species. In silico splice site analysis predicts that this alteration may result in the creation or strengthening of a novel splice donor site and may result in the creation or strengthening of a novel splice acceptor site. RNA studies have demonstrated that this alteration results in a transcript predicted to lead to a protein with an in-frame insertion of 18 amino acids; however, the exact functional impact of the inserted amino acids is unknown at this time (Ambry internal data). Based on the available evidence, the clinical significance of this variant remains unclear.